The following is an entry in ClinVar:

ClinVar aggregate classification (germline): Uncertain significance (1 of 4 stars; one submission).

Conditions:
ADNP-related multiple congenital anomalies - intellectual disability - autism spectrum disorder. Also called: Helsmoortel-Van der Aa Syndrome; ADNP-Related Helsmoortel-Van der Aa Syndrome. Identifiers: Orphanet 404448, MedGen C4014538, MONDO:0014379, OMIM 615873. Disease mechanism: loss of function.

gnomAD v4.1: 1 of 1,614,216 alleles (0.000062%); highest among the groups gnomAD compares: African/African-American, 0.0013%; no homozygotes.

Submission:

Dasa
Classification: Uncertain significance for ADNP-related multiple congenital anomalies - intellectual disability - autism spectrum disorder. Last evaluated: 2025-11-25. Review status: criteria provided, single submitter. Criteria: DASA Assertion Criteria. Collection method: clinical testing. Allele origin: germline.
Comment: NM_001282531.3(ADNP):c.2098A>G (p.Thr700Ala) is a missense variant that results in the substitution of threonine with alanine. This variant is rare in population databases. Computational prediction algorithms are consistent with a benign effect. The currently available literature and clinical evidence are not sufficient to establish a definitive association between this variant and the reported condition. Therefore, this variant is classified as a variant of uncertain significance.

NM_001282531.3(ADNP):c.2098A>G (p.Thr700Ala)

Gene: ADNP (activity dependent neuroprotector homeobox; minus strand). Cytogenetic location: 20q13.13.
Variant type: single nucleotide variant.
Coding change: c.2098A>G on transcript NM_001282531.3 (MANE Select); coding-DNA position 2098, A replaced by G.
Protein change: p.Thr700Ala; replaces threonine 700 with alanine.
Molecular consequence: missense variant.
Genome position (GRCh38, 1-based): chr20:50,892,616, T>C on the plus strand (A>G on the coding strand, the complement: ADNP is on the minus strand). VCF-style: chr20-50892616-T-C. GRCh37 (hg19) VCF-style: chr20-49509153-T-C.
Other names: c.2098A>G, p.Thr700Ala (NM_001282532.2, NM_001347511.2, NM_015339.5 and 1 more transcripts); c.2314A>G, p.Thr772Ala (NM_001439000.1); c.1414A>G, p.Thr472Ala (NM_001439001.1); short protein forms T472A, T700A, T772A.
Identifiers: ClinVar variation 4883721 (VCV004883721.2).